The following is an entry in ClinVar:

ClinVar aggregate classification (germline): Likely pathogenic. Review status: criteria provided, single submitter (1 of 4 stars). 2 submissions from 2 submitters: Likely pathogenic (1). 1 of the submissions does not count toward it.

Conditions:
Congenital bilateral aplasia of vas deferens from CFTR mutation (CBAVD). Identifiers: Orphanet 48, MedGen C0403814, MONDO:0010178, OMIM 277180. Disease mechanism: loss of function.
Cystic fibrosis (CF). Also called: MUCOVISCIDOSIS. Identifiers: Orphanet 586, MedGen C0010674, MONDO:0009061, OMIM 219700. Disease mechanism: loss of function.

Submissions (2):

Juno Genomics, Hangzhou Juno Genomics, Inc
Classification: Likely pathogenic for Congenital bilateral aplasia of vas deferens from CFTR mutation; Cystic fibrosis. Review status: criteria provided, single submitter. Criteria: ACMG Guidelines, 2015. Collection method: clinical testing. Allele origin: germline.
Comment: Absent from controls (or at extremely low frequency if recessive) in Genome Aggregation Database.;Null variant in a gene where loss of function (LOF) is a known mechanism of disease.;For recessive disorders, detected in trans with a pathogenic variant.;Patient's phenotype or family history is highly specific for a disease with a single genetic etiology.

Counsyl
Classification: Likely pathogenic for Cystic fibrosis. Last evaluated: 2017-10-03. Review status: no assertion criteria provided. Collection method: clinical testing. Allele origin: unknown. Not counted in ClinVar's aggregate classification.

NM_000492.4(CFTR):c.2491-2A>C

Gene: CFTR (CF transmembrane conductance regulator; plus strand). Cytogenetic location: 7q31.2.
Variant type: single nucleotide variant.
Coding change: c.2491-2A>C on transcript NM_000492.4 (MANE Select); the canonical splice acceptor site of the intron before coding-DNA position 2491, A replaced by C.
Molecular consequence: splice acceptor variant.
Genome position (GRCh38, 1-based): chr7:117,594,928, A>C. VCF-style: chr7-117594928-A-C. GRCh37 (hg19) VCF-style: chr7-117234982-A-C.
Identifiers: ClinVar variation 554194 (VCV000554194.4), dbSNP rs397508386, ClinGen allele CA368983756.
Genomic context (GRCh38, chr7:117,594,928, plus strand): 5'-AACCACAATGGTGGCATGAAACTGTACTGTCTTATTGTAATAGCCATAATTCTTTTATTC[A>C]GGAGTGCTTTTTTGATGATATGGAGAGCATACCAGCAGTGACTACATGGAACACATACCT-3'